The following is an entry in ClinVar:

ClinVar aggregate classification (germline): Uncertain significance (1 of 4 stars; one submission).

Conditions:
Primary ciliary dyskinesia. Also called: Ciliary dyskinesia. Identifiers: Orphanet 244, MedGen C0008780, MONDO:0016575, HP:0012265.

gnomAD v4.1: 49 of 1,569,774 alleles (0.0031%); highest among the groups gnomAD compares: Non-Finnish European, 0.0016%; no homozygotes.

Submission:

Labcorp Genetics (formerly Invitae), Labcorp
Classification: Uncertain significance for Primary ciliary dyskinesia. Last evaluated: 2025-10-26. Review status: criteria provided, single submitter. Criteria: Invitae Variant Classification Sherloc (09022015). Collection method: clinical testing. Allele origin: germline.
Comment: This sequence change replaces lysine, which is basic and polar, with asparagine, which is neutral and polar, at codon 1391 of the DNAH8 protein (p.Lys1391Asn). This variant is present in population databases (rs756953921, gnomAD 0.07%). This variant has not been reported in the literature in individuals affected with DNAH8-related conditions. Experimental studies and prediction algorithms are not available or were not evaluated, and the functional significance of this variant is currently unknown. In summary, the available evidence is currently insufficient to determine the role of this variant in disease. Therefore, it has been classified as a Variant of Uncertain Significance.

NM_001206927.2(DNAH8):c.4173A>T (p.Lys1391Asn)

Gene: DNAH8 (dynein axonemal heavy chain 8; plus strand). Cytogenetic location: 6p21.2.
Variant type: single nucleotide variant.
Coding change: c.4173A>T on transcript NM_001206927.2 (MANE Select); coding-DNA position 4173, A replaced by T.
Protein change: p.Lys1391Asn; replaces lysine 1391 with asparagine.
Molecular consequence: missense variant.
Genome position (GRCh38, 1-based): chr6:38,828,273, A>T. VCF-style: chr6-38828273-A-T. GRCh37 (hg19) VCF-style: chr6-38796049-A-T.
Other names: c.3522A>T, p.Lys1174Asn (NM_001371.4); short protein forms K1174N, K1391N.
Identifiers: ClinVar variation 4807102 (VCV004807102.1).